The following is an entry in ClinVar:

NM_000059.4(BRCA2):c.371T>G (p.Met124Arg)

Gene: BRCA2 (BRCA2 DNA repair associated; plus strand). Cytogenetic location: 13q13.1.
Variant type: single nucleotide variant.
Coding change: c.371T>G on transcript NM_000059.4 (MANE Select); coding-DNA position 371, T replaced by G.
Protein change: p.Met124Arg; replaces methionine 124 with arginine.
Molecular consequence: missense variant.
Genome position (GRCh38, 1-based): chr13:32,325,130, T>G. VCF-style: chr13-32325130-T-G. GRCh37 (hg19) VCF-style: chr13-32899267-T-G.
Other names: short protein forms M124R.
Identifiers: ClinVar variation 947449 (VCV000947449.10), dbSNP rs1450325987, ClinGen allele CA387756634.
Genomic context (GRCh38, chr13:32,325,130, plus strand): 5'-TTTCAGGAAGGAATGTTCCCAATAGTAGACATAAAAGTCTTCGCACAGTGAAAACTAAAA[T>G]GGATCAAGCAGATGATGTTTCCTGTCCACTTCTAAATTCTTGTCTTAGTGAAAGGTATGA-3'
Protein context (NP_000050.3, residues 114-134): HKSLRTVKTK[Met124Arg]DQADDVSCPL

ClinVar aggregate classification (germline): Uncertain significance (1 of 4 stars; one submission).

Conditions:
Hereditary breast ovarian cancer syndrome. Also called: Hereditary breast and/or ovarian cancer syndrome; Hereditary breast and ovarian cancer syndrome; Hereditary breast and ovarian cancer syndrome (HBOC); Breast and ovarian cancer; BRCA1- and BRCA2-Associated Hereditary Breast and Ovarian Cancer; Hereditary breast and ovarian cancer. Identifiers: Orphanet 145, MedGen C0677776, MeSH D061325, MONDO:0003582. Disease mechanism: loss of function.

Submission:

Labcorp Genetics (formerly Invitae), Labcorp
Classification: Uncertain significance for Hereditary breast ovarian cancer syndrome. Last evaluated: 2019-04-03. Review status: criteria provided, single submitter. Criteria: Invitae Variant Classification Sherloc (09022015). Collection method: clinical testing. Allele origin: germline.
Comment: In summary, the available evidence is currently insufficient to determine the role of this variant in disease. Therefore, it has been classified as a Variant of Uncertain Significance. Algorithms developed to predict the effect of missense changes on protein structure and function (SIFT, PolyPhen-2, Align-GVGD) all suggest that this variant is likely to be tolerated, but these predictions have not been confirmed by published functional studies and their clinical significance is uncertain. This variant has not been reported in the literature in individuals with BRCA2-related conditions. This variant is not present in population databases (ExAC no frequency). This sequence change replaces methionine with arginine at codon 124 of the BRCA2 protein (p.Met124Arg). The methionine residue is weakly conserved and there is a moderate physicochemical difference between methionine and arginine.